The following is an entry in ClinVar:

ClinVar aggregate classification (germline): Likely benign (0 of 4 stars; one submission).

Conditions:
SRPK3-related disorder. Also called: SRPK3-related condition.

Allele frequency attached by ClinVar (database versions not stated): ExAC 0.00033; ESP Exome Variant Server 0.00047; gnomAD exomes 0.00047; TOPMed 0.00049; gnomAD 0.00060.

Submission:

PreventionGenetics, part of Exact Sciences
Classification: Likely benign for SRPK3-related condition. Last evaluated: 2020-12-29. Review status: no assertion criteria provided. Collection method: clinical testing. Allele origin: germline.
Comment: This variant is classified as likely benign based on ACMG/AMP sequence variant interpretation guidelines (Richards et al. 2015 PMID: 25741868, with internal and published modifications).

NM_014370.4(SRPK3):c.1617C>T (p.Ser539=)

Gene: SRPK3 (SRSF protein kinase 3; plus strand). Cytogenetic location: Xq28.
Variant type: single nucleotide variant.
Coding change: c.1617C>T on transcript NM_014370.4 (MANE Select); coding-DNA position 1617, C replaced by T.
Protein change: p.Ser539=; no amino-acid change (serine 539 retained).
Molecular consequence: synonymous variant.
Genome position (GRCh38, 1-based): chrX:153,785,433, C>T. VCF-style: chrX-153785433-C-T. GRCh37 (hg19) VCF-style: chrX-153050888-C-T.
Other names: c.1614C>T, p.Ser538= (NM_001170760.2); c.1515C>T, p.Ser505= (NM_001170761.2).
Identifiers: ClinVar variation 3048829 (VCV003048829.2), dbSNP rs371187433, ClinGen allele CA10552727.